The following is an entry in ClinVar:

ClinVar aggregate classification (germline): Uncertain significance (0 of 4 stars; one submission).

Conditions:
MOCS1-related disorder. Also called: MOCS1-related condition.

Submission:

PreventionGenetics, part of Exact Sciences
Classification: Uncertain significance for MOCS1-related condition. Last evaluated: 2024-03-08. Review status: no assertion criteria provided. Collection method: clinical testing. Allele origin: germline.
Comment: The MOCS1 c.1831G>A variant is predicted to result in the amino acid substitution p.Val611Ile. To our knowledge, this variant has not been reported in the literature or in a large population database, indicating this variant is rare. At this time, the clinical significance of this variant is uncertain due to the absence of conclusive functional and genetic evidence.

NM_001358530.2(MOCS1):c.1831G>A (p.Val611Ile)

Gene: MOCS1 (molybdenum cofactor synthesis 1; minus strand). Cytogenetic location: 6p21.2.
Variant type: single nucleotide variant.
Coding change: c.1831G>A on transcript NM_001358530.2 (MANE Select); coding-DNA position 1831, G replaced by A.
Protein change: p.Val611Ile; replaces valine 611 with isoleucine.
Molecular consequence: missense variant. On other transcripts: 3 prime UTR variant (4), non-coding transcript variant (1).
Genome position (GRCh38, 1-based): chr6:39,906,437, C>T on the plus strand (G>A on the coding strand, the complement: MOCS1 is on the minus strand). VCF-style: chr6-39906437-C-T. GRCh37 (hg19) VCF-style: chr6-39874213-C-T.
Other names: c.*688G>A (NM_001075098.4, NM_001358533.2, NM_001358534.2 and 1 more transcripts); c.1783G>A, p.Val595Ile (NM_001358529.2); c.1570G>A, p.Val524Ile (NM_001358531.2); short protein forms V524I, V595I, V611I.
Identifiers: ClinVar variation 3352108 (VCV003352108.1).